The following is an entry in ClinVar:

NM_201521.3(KLC4):c.1164T>A (p.Cys388Ter)

Gene: KLC4 (kinesin light chain 4; plus strand). Cytogenetic location: 6p21.1.
Variant type: single nucleotide variant.
Coding change: c.1164T>A on transcript NM_201521.3 (MANE Select); coding-DNA position 1164, T replaced by A.
Protein change: p.Cys388Ter; replaces cysteine 388 with a stop codon.
Molecular consequence: nonsense.
Genome position (GRCh38, 1-based): chr6:43,071,283, T>A. VCF-style: chr6-43071283-T-A. GRCh37 (hg19) VCF-style: chr6-43039021-T-A.
Other names: c.1164T>A, p.Cys388Ter (NM_001289034.2, NM_201522.3); c.933T>A, p.Cys311Ter (NM_001289035.2); c.1218T>A, p.Cys406Ter (NM_201523.3); short protein forms C311*, C388*, C406*.
Identifiers: ClinVar variation 4854932 (VCV004854932.1).

ClinVar aggregate classification (germline): Likely pathogenic (1 of 4 stars; one submission).

Conditions:
Early-childhood-onset neurodegeneration with retinitis pigmentosa, sensorineural hearing loss, and demyelinating peripheral neuropathy. Identifiers: MedGen C6012705, MONDO:0700288, OMIM 621129.

gnomAD v4.1: 1 of 1,613,050 alleles (0.000062%); highest among the groups gnomAD compares: South Asian, 0.0011%; no homozygotes.

Submission:

3billion
Classification: Likely pathogenic for Early-childhood-onset neurodegeneration with retinitis pigmentosa, sensorineural hearing loss, and demyelinating peripheral neuropathy. Last evaluated: 2026-01-12. Review status: criteria provided, single submitter. Criteria: ACMG Guidelines, 2015. Collection method: clinical testing. Allele origin: germline. Affected: yes.
Comment: The variant is observed at an extremely low frequency in the gnomAD v4.1.0 dataset (total allele frequency: <0.001%). Predicted Consequence/Location: Stop-gained (nonsense): predicted to result in a loss or disruption of normal protein function through nonsense-mediated decay (NMD) or protein truncation. Multiple pathogenic variants are reported downstream of the variant. Therefore, this variant is classified as Likely pathogenic according to the recommendation of ACMG/AMP guideline.